The following is an entry in ClinVar:

NM_004004.6(GJB2):c.32_45del (p.Gly11fs)

Gene: GJB2 (gap junction protein beta 2; minus strand). Cytogenetic location: 13q12.11.
Variant type: Deletion.
Coding change: c.32_45del on transcript NM_004004.6 (MANE Select); coding-DNA positions 32 to 45, 14 bases deleted (GGGGTGTGAACAAA).
Protein change: p.Gly11fs; shifts the reading frame from glycine 11.
Molecular consequence: frameshift variant.
Genome position (GRCh38, 1-based): chr13:20,189,537-20,189,550, TTTGTTCACACCCC deleted on the plus strand (GGGGTGTGAACAAA on the coding strand, the reverse complement: GJB2 is on the minus strand). VCF-style (leftmost placement, unchanged base first): chr13-20189536-GTTTGTTCACACCCC-G. GRCh37 (hg19) VCF-style: chr13-20763675-GTTTGTTCACACCCC-G.
Other names: c.32_45delGGGGTGTGAACAAA (NM_004004.5); short protein forms G11fs.
Identifiers: ClinVar variation 623824 (VCV000623824.54), dbSNP rs1290698257, ClinGen allele CA608984146.

ClinVar aggregate classification (germline): Conflicting classifications of pathogenicity. Review status: criteria provided, conflicting classifications (1 of 4 stars). 4 submissions from 4 submitters: Pathogenic (1); Likely pathogenic (2); Uncertain significance (1). Last evaluated 2026-04-24.

Conditions:
Autosomal recessive nonsyndromic hearing loss 1A (DFNB1A). Also called: GJB2-Related Autosomal Recessive Nonsyndromic Hearing Loss; Deafness, autosomal recessive 1A; GJB6-Related DFNB 1 Nonsyndromic Hearing Loss and Deafness; Nonsyndromic Hearing Loss and Deafness, DFNB1; Connexin 26 deafness; Deafness nonsyndromic, Connexin 26 linked. Identifiers: Orphanet 90636, MedGen C2673759, MONDO:0009076, OMIM 220290.

Allele frequency attached by ClinVar (database versions not stated): gnomAD exomes below 0.00001 and 0.00001; TOPMed below 0.00001; gnomAD 0.00001.

Submissions (4):

Dasa
Classification: Likely pathogenic. Last evaluated: 2026-04-24. Review status: criteria provided, single submitter. Criteria: DASA Assertion Criteria. Collection method: clinical testing. Allele origin: germline.
Comment: NM_004004.6(GJB2):c.32_45del (p.Gly11Alafs*32) is a frameshift variant in GJB2 predicted to alter the reading frame and introduce a premature termination codon and is predicted to result in an absent or altered protein product. Loss of function is an established disease mechanism for GJB2-associated disorders. This variant has been reported in individuals with GJB2-related disorders (PMID: 15146474). Also, this variant is rare in population databases. Based on the currently available evidence, this variant is classified as likely pathogenic.

Natera, Inc.
Classification: Likely pathogenic for Autosomal recessive deafness type 1A. Last evaluated: 2025-08-01. Review status: criteria provided, single submitter. Criteria: Natera Variant Classification Schema (03/2026). Collection method: clinical testing. Allele origin: germline.
Comment: The c.32_45delGGGGTGTGAACAAA variant in GJB2 is a frameshift variant predicted to shift the reading frame beginning at codon 11 and leads to a stop codon 32 codons downstream. This variant is expected to result in nonsense mediated decay, truncation, or a dysfunctional protein product. This variant is rare in the general population with a frequency below the threshold expected for the associated phenotype(s). Given the available evidence, this variant is classified as Likely Pathogenic.

Labcorp Genetics (formerly Invitae), Labcorp
Classification: Pathogenic. Last evaluated: 2023-03-09. Review status: criteria provided, single submitter. Criteria: Invitae Variant Classification Sherloc (09022015). Collection method: clinical testing. Allele origin: germline.
Comment: This variant disrupts a region of the GJB2 protein in which other variant(s) (p.Thr18Lysfs*26) have been determined to be pathogenic (PMID: 10982182). This suggests that this is a clinically significant region of the protein, and that variants that disrupt it are likely to be disease-causing. This sequence change creates a premature translational stop signal (p.Gly11Alafs*32) in the GJB2 gene. While this is not anticipated to result in nonsense mediated decay, it is expected to disrupt the last 216 amino acid(s) of the GJB2 protein. This variant is present in population databases (no rsID available, gnomAD 0.0009%). This variant has not been reported in the literature in individuals affected with GJB2-related conditions. ClinVar contains an entry for this variant (Variation ID: 623824). For these reasons, this variant has been classified as Pathogenic.

CeGaT Center for Human Genetics Tuebingen
Classification: Uncertain significance. Last evaluated: 2018-05-01. Review status: criteria provided, single submitter. Criteria: CeGaT Center For Human Genetics Tuebingen Variant Classification Criteria Version 2. Collection method: clinical testing. Allele origin: germline. Affected: yes. Observed: 2 variant alleles.

Literature cited by the submitters: PubMed 15146474 (cited by Dasa); PubMed 10982182 (cited by Labcorp Genetics (formerly Invitae), Labcorp).